The following is an entry in ClinVar:

ClinVar aggregate classification (germline): Likely benign (0 of 4 stars; one submission).

Conditions:
ODAD1-related disorder. Also called: ODAD1-related condition.

Allele frequency attached by ClinVar (database versions not stated): TOPMed 0.00009; gnomAD 0.00010; gnomAD exomes 0.00016.
gnomAD v4.1: 188 of 1,289,222 alleles (0.015%); highest among the groups gnomAD compares: Non-Finnish European, 0.018%; no homozygotes.

Submission:

PreventionGenetics, part of Exact Sciences
Classification: Likely benign for ODAD1-related condition. Last evaluated: 2019-12-16. Review status: no assertion criteria provided. Collection method: clinical testing. Allele origin: germline.
Comment: This variant is classified as likely benign based on ACMG/AMP sequence variant interpretation guidelines (Richards et al. 2015 PMID: 25741868, with internal and published modifications).

NM_001364171.2(ODAD1):c.38A>G (p.Glu13Gly)

Gene: ODAD1 (outer dynein arm docking complex subunit 1; minus strand). Cytogenetic location: 19q13.33.
Variant type: single nucleotide variant.
Coding change: c.38A>G on transcript NM_001364171.2 (MANE Select); coding-DNA position 38, A replaced by G.
Protein change: p.Glu13Gly; replaces glutamic acid 13 with glycine.
Molecular consequence: missense variant.
Genome position (GRCh38, 1-based): chr19:48,320,331, T>C on the plus strand (A>G on the coding strand, the complement: ODAD1 is on the minus strand). VCF-style: chr19-48320331-T-C. GRCh37 (hg19) VCF-style: chr19-48823588-T-C.
Other names: short protein forms E13G.
Identifiers: ClinVar variation 3045001 (VCV003045001.2), dbSNP rs745468139, ClinGen allele CA309319085.